The following is an entry in ClinVar:

ClinVar aggregate classification (germline): Likely benign (1 of 4 stars; one submission).

Conditions:
Megalencephalic leukoencephalopathy with subcortical cysts 1 (MLC1). Also called: LEUKOENCEPHALOPATHY WITH SWELLING AND CYSTS; VACUOLATING MEGALENCEPHALIC LEUKOENCEPHALOPATHY WITH SUBCORTICAL CYSTS. Identifiers: Orphanet 2478, MedGen C5779875, MONDO:0024555, OMIM 604004.

Allele frequency attached by ClinVar (database versions not stated): gnomAD exomes 0.00023; 1000 Genomes Project 0.00240; gnomAD 0.00242 and 0.00263; TOPMed 0.00256; 1000 Genomes Project 30x 0.00265.
gnomAD v4.1: 364 of 156,922 alleles (0.23%); highest among the groups gnomAD compares: African/African-American, 0.83%; 1 homozygote.

Submission:

Illumina Laboratory Services, Illumina
Classification: Likely benign for Megalencephalic leukoencephalopathy with subcortical cysts 1. Last evaluated: 2018-01-12. Review status: criteria provided, single submitter. Criteria: ICSL Variant Classification Criteria 13 December 2019. Collection method: clinical testing. Allele origin: germline.
Comment: This variant was observed in the ICSL laboratory as part of a predisposition screen in an ostensibly healthy population. It had not been previously curated by ICSL or reported in the Human Gene Mutation Database (HGMD: prior to June 1st, 2018), and was therefore a candidate for classification through an automated scoring system. Utilizing variant allele frequency, disease prevalence and penetrance estimates, and inheritance mode, an automated score was calculated to assess if this variant is too frequent to cause the disease. Based on the score and internal cut-off values, a variant classified as likely benign is not then subjected to further curation. The score for this variant resulted in a classification of likely benign for this disease.

NM_015166.4(MLC1):c.*660C>T

Gene: MLC1 (modulator of VRAC current 1; minus strand). Cytogenetic location: 22q13.33.
Variant type: single nucleotide variant.
Coding change: c.*660C>T on transcript NM_015166.4 (MANE Select); 660 bases downstream of the stop codon, C replaced by T.
Molecular consequence: 3 prime UTR variant. On other transcripts: intron variant (2).
Genome position (GRCh38, 1-based): chr22:50,060,923, G>A on the plus strand (C>T on the coding strand, the complement: MLC1 is on the minus strand). VCF-style: chr22-50060923-G-A. GRCh37 (hg19) VCF-style: chr22-50499352-G-A.
Other names: c.*660C>T (NM_001376472.1, NM_001376473.1, NM_001376474.1 and 9 more transcripts); c.*45+615C>T (NM_001376478.1, NM_001376477.1).
Identifiers: ClinVar variation 900205 (VCV000900205.4), dbSNP rs139148001, ClinGen allele CA325479082.
Genomic context (GRCh38, chr22:50,060,923, plus strand): 5'-GGCGGTGGATCCCTCTAGAATGACTGGGTCTAAGTAGGGAGACAGGGCAGGCGACCCGGC[G>A]TGGACTGGTGTGGATTTCACCTGGGAGAGCAGCGGCAGCCTGTGTCGCTTGCGCCCAGGC-3'